The following is an entry in ClinVar:

NM_021942.6(TRAPPC11):c.2307G>T (p.Met769Ile)

Genes: TRAPPC11 (trafficking protein particle complex subunit 11; plus strand), LOC126807238 (BRD4-independent group 4 enhancer GRCh37_chr4:184614366-184615565; plus strand). Cytogenetic location: 4q35.1.
Variant type: single nucleotide variant.
Coding change: c.2307G>T on transcript NM_021942.6 (MANE Select); coding-DNA position 2307, G replaced by T.
Protein change: p.Met769Ile; replaces methionine 769 with isoleucine.
Molecular consequence: missense variant.
Genome position (GRCh38, 1-based): chr4:183,693,658, G>T. VCF-style: chr4-183693658-G-T. GRCh37 (hg19) VCF-style: chr4-184614811-G-T.
Other names: c.2307G>T, p.Met769Ile (NM_199053.3); short protein forms M769I.
Identifiers: ClinVar variation 474348 (VCV000474348.9), dbSNP rs1554010022, ClinGen allele CA358871347.
Genomic context (GRCh38, chr4:183,693,658, plus strand): 5'-CAGAGTCCCAAACATTTCTGTACATCTGCTACATGAACCCCCTGCACTGACTAATGAAAT[G>T]TATTGTTTGGTTGTGACTGTTCAGTCCCATGAAAAGACCCAAATCAGAGATGTGAAGCTC-3'
Protein context (NP_068761.4, residues 759-779): LHEPPALTNE[Met769Ile]YCLVVTVQSH

ClinVar aggregate classification (germline): Uncertain significance (1 of 4 stars; one submission).

Conditions:
Autosomal recessive limb-girdle muscular dystrophy type R18 (LGMDR18). Also called: MUSCULAR DYSTROPHY, LIMB-GIRDLE, AUTOSOMAL RECESSIVE 18; Autosomal recessive limb-girdle muscular dystrophy type 2S; Limb-girdle muscular dystrophy, type 2S. Identifiers: Orphanet 369840, MedGen C4517996, MONDO:0014144, OMIM 615356.

Allele frequency attached by ClinVar (database versions not stated): gnomAD exomes below 0.00001.
gnomAD v4.1: 1 of 1,614,108 alleles (0.000062%); highest among the groups gnomAD compares: Non-Finnish European, 0.000085%; no homozygotes.

Submission:

Labcorp Genetics (formerly Invitae), Labcorp
Classification: Uncertain significance for Autosomal recessive limb-girdle muscular dystrophy type R18. Last evaluated: 2024-10-18. Review status: criteria provided, single submitter. Criteria: Invitae Variant Classification Sherloc (09022015). Collection method: clinical testing. Allele origin: germline.
Comment: This sequence change replaces methionine, which is neutral and non-polar, with isoleucine, which is neutral and non-polar, at codon 769 of the TRAPPC11 protein (p.Met769Ile). This variant is not present in population databases (gnomAD no frequency). This variant has not been reported in the literature in individuals affected with TRAPPC11-related conditions. ClinVar contains an entry for this variant (Variation ID: 474348). Invitae Evidence Modeling of protein sequence and biophysical properties (such as structural, functional, and spatial information, amino acid conservation, physicochemical variation, residue mobility, and thermodynamic stability) indicates that this missense variant is not expected to disrupt TRAPPC11 protein function with a negative predictive value of 80%. In summary, the available evidence is currently insufficient to determine the role of this variant in disease. Therefore, it has been classified as a Variant of Uncertain Significance.